The following is an entry in ClinVar:

ClinVar aggregate classification (germline): Conflicting classifications of pathogenicity. Review status: criteria provided, conflicting classifications (1 of 4 stars). 6 submissions from 6 submitters: Uncertain significance (1); Likely benign (5). Last evaluated 2024-10-17.

Conditions:
Cornelia de Lange syndrome 1 (CDLS1). Also called: Brachmann de Lange syndrome; NIPBL-Related Cornelia de Lange Syndrome; TYPUS DEGENERATIVUS AMSTELODAMENSIS. Identifiers: Orphanet 199, MedGen C4551851, MONDO:0007387, OMIM 122470.

Allele frequency attached by ClinVar (database versions not stated): ESP Exome Variant Server 0.00008; ExAC 0.00001; gnomAD 0.00001; TOPMed 0.00001; gnomAD exomes 0.00002.
gnomAD v4.1: 27 of 1,593,512 alleles (0.0017%); highest among the groups gnomAD compares: South Asian, 0.0033%; no homozygotes.

Submissions (6):

Blueprint Genetics
Classification: Likely benign. Last evaluated: 2024-10-17. Review status: criteria provided, single submitter. Criteria: ACMG Guidelines, 2015. Collection method: clinical testing. Allele origin: germline.

Genome-Nilou Lab
Classification: Likely benign for Cornelia de Lange syndrome 1. Last evaluated: 2021-07-15. Review status: criteria provided, single submitter. Criteria: ACMG Guidelines, 2015. Collection method: clinical testing. Allele origin: germline. Affected: no.

Labcorp Genetics (formerly Invitae), Labcorp
Classification: Likely benign. Last evaluated: 2018-07-12. Review status: criteria provided, single submitter. Criteria: Invitae Variant Classification Sherloc (09022015). Collection method: clinical testing. Allele origin: germline.

Illumina Laboratory Services, Illumina
Classification: Uncertain significance for Cornelia de Lange syndrome 1. Last evaluated: 2018-01-12. Review status: criteria provided, single submitter. Criteria: ICSL Variant Classification Criteria 13 December 2019. Collection method: clinical testing. Allele origin: germline.

GeneDx
Classification: Likely benign. Last evaluated: 2016-02-18. Review status: criteria provided, single submitter. Criteria: GeneDx Variant Classification (06012015). Collection method: clinical testing. Allele origin: germline. Affected: yes.
Comment: This variant is considered likely benign or benign based on one or more of the following criteria: it is a conservative change, it occurs at a poorly conserved position in the protein, it is predicted to be benign by multiple in silico algorithms, and/or has population frequency not consistent with disease.

Genetic Services Laboratory, University of Chicago
Classification: Likely benign. Last evaluated: 2013-02-08. Review status: criteria provided, single submitter. Criteria: ACMG Guidelines, 2007. Collection method: clinical testing. Allele origin: germline. Inheritance: Autosomal dominant inheritance.

NM_133433.4(NIPBL):c.3660G>A (p.Ala1220=)

Gene: NIPBL (NIPBL cohesin loading factor; plus strand). Cytogenetic location: 5p13.2.
Variant type: single nucleotide variant.
Coding change: c.3660G>A on transcript NM_133433.4 (MANE Select); coding-DNA position 3660, G replaced by A.
Protein change: p.Ala1220=; no amino-acid change (alanine 1220 retained).
Molecular consequence: synonymous variant.
Genome position (GRCh38, 1-based): chr5:37,001,074, G>A. VCF-style: chr5-37001074-G-A. GRCh37 (hg19) VCF-style: chr5-37001176-G-A.
Other names: c.3660G>A, p.Ala1220= (NM_015384.5).
Identifiers: ClinVar variation 159092 (VCV000159092.15), dbSNP rs143252734, ClinGen allele CA172691.